The following is an entry in ClinVar:

ClinVar aggregate classification (germline): Uncertain significance (1 of 4 stars; one submission).

Conditions:
Inborn genetic diseases. Identifiers: MedGen C0950123, MeSH D030342.

gnomAD v4.1: 3 of 1,613,830 alleles (0.00019%); highest among the groups gnomAD compares: South Asian, 0.0011%; no homozygotes.

Submission:

Ambry Genetics
Classification: Uncertain significance for Inborn genetic diseases. Last evaluated: 2025-01-05. Review status: criteria provided, single submitter. Criteria: Ambry Variant Classification Scheme 2023. Collection method: clinical testing. Allele origin: germline.
Comment: The p.I988T variant (also known as c.2963T>C), located in coding exon 1 of the SAMD9 gene, results from a T to C substitution at nucleotide position 2963. The isoleucine at codon 988 is replaced by threonine, an amino acid with similar properties. This amino acid position is conserved. In addition, the in silico prediction for this alteration is inconclusive. Based on the available evidence, the clinical significance of this variant remains unclear.

NM_017654.4(SAMD9):c.2963T>C (p.Ile988Thr)

Gene: SAMD9 (sterile alpha motif domain containing 9; minus strand). Cytogenetic location: 7q21.2.
Variant type: single nucleotide variant.
Coding change: c.2963T>C on transcript NM_017654.4 (MANE Select); coding-DNA position 2963, T replaced by C.
Protein change: p.Ile988Thr; replaces isoleucine 988 with threonine.
Molecular consequence: missense variant.
Genome position (GRCh38, 1-based): chr7:93,103,135, A>G on the plus strand (T>C on the coding strand, the complement: SAMD9 is on the minus strand). VCF-style: chr7-93103135-A-G. GRCh37 (hg19) VCF-style: chr7-92732448-A-G.
Other names: c.2963T>C, p.Ile988Thr (NM_001193307.2); short protein forms I988T.
Identifiers: ClinVar variation 3791974 (VCV003791974.1).